The following is an entry in ClinVar:

ClinVar aggregate classification (germline): Pathogenic (1 of 4 stars; one submission).

Submission:

Labcorp Genetics (formerly Invitae), Labcorp
Classification: Pathogenic. Last evaluated: 2025-06-04. Review status: criteria provided, single submitter. Criteria: Invitae Variant Classification Sherloc (09022015). Collection method: clinical testing. Allele origin: germline.
Comment: This sequence change falls in intron 2 of the DEGS1 gene. It does not directly change the encoded amino acid sequence of the DEGS1 protein. It affects a nucleotide within the consensus splice site. Information on the frequency of this variant in the gnomAD database is not available, as this variant may be reported differently in the database. This variant has been observed in individual(s) with and/or clinical features of hypomyelinating leukodystrophy (external communication, internal data). In at least one individual the data is consistent with being in trans (on the opposite chromosome) from a pathogenic variant. It has also been observed to segregate with disease in related individuals. ClinVar contains an entry for this variant (Variation ID: 3604176). Variants that disrupt the consensus splice site are a relatively common cause of aberrant splicing (PMID: 17576681, 9536098). Experimental studies and prediction algorithms are not available or were not evaluated, and the effect of this variant on mRNA splicing is currently unknown. For these reasons, this variant has been classified as Pathogenic.

Literature cited by the submitters: PubMed 17576681; PubMed 9536098.

NM_003676.4(DEGS1):c.825+4_825+5delinsTT

Gene: DEGS1 (delta 4-desaturase, sphingolipid 1; plus strand). Cytogenetic location: 1q42.11.
Variant type: Indel.
Coding change: c.825+4_825+5delinsTT on transcript NM_003676.4 (MANE Select); bases 4 to 5 of the intron after coding-DNA position 825, AG replaced by TT.
Molecular consequence: intron variant.
Genome position (GRCh38, 1-based): chr1:224,190,323-224,190,324, AG replaced by TT. VCF-style: chr1-224190323-AG-TT. GRCh37 (hg19) VCF-style: chr1-224378025-AG-TT.
Other names: c.825+4_825+5delinsTT (NM_001321541.2); c.717+4_717+5delinsTT (NM_001321542.2).
Identifiers: ClinVar variation 3604176 (VCV003604176.2).
Genomic context (GRCh38, chr1:224,190,323, plus strand): 5'-GGTTATCATAATGAACATCATGATTTCCCCAACATTCCTGGAAAAAGTCTTCCACTGGTA[AG>TT]TAAAGGATTTGATACATATTCTAATTTTGTTTTTTCATTTGTTTGTTTTTTGAGACGGTG-3'